The following is an entry in ClinVar:

ClinVar aggregate classification (germline): Uncertain significance. Review status: criteria provided, multiple submitters, no conflicts (2 of 4 stars). 2 submissions from 2 submitters: Uncertain significance (2). Last evaluated 2024-08-20.

Conditions:
Cardiomyopathy (CMYO). Also called: Cardiomyopathies. Identifiers: Orphanet 167848, MedGen C0878544, MONDO:0004994, HP:0001638. Inheritance: Various modes of inheritance.
Charcot-Marie-Tooth disease type 2. Also called: Charcot-Marie-Tooth type 2. Identifiers: Orphanet 64746, MedGen C0270914, MONDO:0018993.

Allele frequency attached by ClinVar (database versions not stated): gnomAD exomes below 0.00001.
gnomAD v4.1: 3 of 1,582,574 alleles (0.00019%); highest among the groups gnomAD compares: East Asian, 0.0023%; no homozygotes.

Submissions (2):

Labcorp Genetics (formerly Invitae), Labcorp
Classification: Uncertain significance for Charcot-Marie-Tooth disease type 2. Last evaluated: 2024-08-20. Review status: criteria provided, single submitter. Criteria: Invitae Variant Classification Sherloc (09022015). Collection method: clinical testing. Allele origin: germline.
Comment: This sequence change replaces glutamine, which is neutral and polar, with arginine, which is basic and polar, at codon 168 of the LMNA protein (p.Gln168Arg). The frequency data for this variant in the population databases is considered unreliable, as metrics indicate poor data quality at this position in the gnomAD database. This variant has not been reported in the literature in individuals affected with LMNA-related conditions. Invitae Evidence Modeling of protein sequence and biophysical properties (such as structural, functional, and spatial information, amino acid conservation, physicochemical variation, residue mobility, and thermodynamic stability) indicates that this missense variant is expected to disrupt LMNA protein function with a positive predictive value of 95%. In summary, the available evidence is currently insufficient to determine the role of this variant in disease. Therefore, it has been classified as a Variant of Uncertain Significance.

Color Diagnostics, LLC DBA Color Health
Classification: Uncertain significance for Cardiomyopathy. Last evaluated: 2024-03-07. Review status: criteria provided, single submitter. Criteria: ACMG Guidelines, 2015. Collection method: clinical testing. Allele origin: germline.
Comment: This missense variant replaces glutamine with arginine at codon 168 of the lamin A/C proteins. Computational prediction is inconclusive regarding the impact of this variant on protein structure and function (internally defined REVEL score threshold 0.5 < inconclusive < 0.7, PMID: 27666373). To our knowledge, functional studies have not been reported for this variant. This variant has not been reported in individuals affected with cardiovascular disorders in the literature. This variant has been identified in 1/197602 chromosomes in the general population by the Genome Aggregation Database (gnomAD). The available evidence is insufficient to determine the role of this variant in disease conclusively. Therefore, this variant is classified as a Variant of Uncertain Significance.

NM_170707.4(LMNA):c.503A>G (p.Gln168Arg)

Genes: LMNA (lamin A/C; plus strand), LOC126805877 (MED14-independent group 3 enhancer GRCh37_chr1:156099693-156100892; plus strand). Cytogenetic location: 1q22.
Variant type: single nucleotide variant.
Coding change: c.503A>G on transcript NM_170707.4 (MANE Select); coding-DNA position 503, A replaced by G.
Protein change: p.Gln168Arg; replaces glutamine 168 with arginine.
Molecular consequence: missense variant. On other transcripts: 5 prime UTR variant (7), intron variant (4).
Genome position (GRCh38, 1-based): chr1:156,130,763, A>G. VCF-style: chr1-156130763-A-G. GRCh37 (hg19) VCF-style: chr1-156100554-A-G.
Other names: c.167A>G, p.Gln56Arg (NM_001257374.3, NM_001406989.1, NM_001406998.1); c.260A>G, p.Gln87Arg (NM_001282624.2, NM_001406986.1, NM_001406987.1); c.503A>G, p.Gln168Arg (NM_001282625.2, NM_001282626.2, NM_001406983.1 and 6 more transcripts); c.206A>G, p.Gln69Arg (NM_001406988.1); c.-56A>G (NM_001406993.1, NM_001406996.1, NM_001406997.1 and 1 more transcripts); c.-162A>G (NM_001406994.1, NM_001406999.1, NM_001407000.1); c.-45-3640A>G (NM_001407002.1, NM_001406995.1, NM_001406990.1); c.-151-3640A>G (NM_001407001.1); short protein forms Q56R, Q168R, Q69R, Q87R.
Identifiers: ClinVar variation 2773537 (VCV002773537.4), dbSNP rs1371187616, ClinGen allele CA342815689.